The following is an entry in ClinVar:

NM_000545.8(HNF1A):c.1747_1766dup (p.Val590fs)

Gene: HNF1A (HNF1 homeobox A; plus strand). Cytogenetic location: 12q24.31.
Variant type: Duplication.
Coding change: c.1747_1766dup on transcript NM_000545.8 (MANE Select); coding-DNA positions 1747 to 1766, 20 bases duplicated (CGGCTCAGCGCCAGCCCCAC).
Protein change: p.Val590fs; shifts the reading frame from valine 590.
Molecular consequence: frameshift variant.
Genome position (GRCh38, 1-based): chr12:120,999,606-120,999,625, CGGCTCAGCGCCAGCCCCAC duplicated; duplicating any 20 consecutive bases within chr12:120,999,601-120,999,625 gives the same sequence; the c. name uses the placement nearest the transcript's 3' end. VCF-style (leftmost placement, unchanged base first): chr12-120999600-G-GCCCACCGGCTCAGCGCCAGC. GRCh37 (hg19) VCF-style: chr12-121437403-G-GCCCACCGGCTCAGCGCCAGC.
Other names: c.1768_1787dup, p.Val597fs (NM_001306179.2); c.1555_1574dup, p.Val526Glyfs (NM_001406915.1); short protein forms V590fs, V597fs.
Identifiers: ClinVar variation 1878244 (VCV001878244.1), dbSNP rs1592898255, ClinGen allele CA2580085897.

ClinVar aggregate classification (germline): Uncertain significance (1 of 4 stars; one submission).

Submission:

Women's Health and Genetics/Laboratory Corporation of America, LabCorp
Classification: Uncertain significance. Last evaluated: 2022-12-08. Review status: criteria provided, single submitter. Criteria: LabCorp Variant Classification Summary - May 2015. Collection method: clinical testing. Allele origin: germline.
Comment: Variant summary: HNF1A c.1747_1766dup20 (p.Val590GlyfsX77) causes a frameshift which results in an extension of the protein. The variant was absent in 240794 control chromosomes (gnomAD). The available data on variant occurrences in the general population are insufficient to allow any conclusion about variant significance. To our knowledge, no occurrence of c.1747_1766dup20 in individuals affected with Maturity Onset Diabetes Of The Young 3 and no experimental evidence demonstrating its impact on protein function have been reported. No clinical diagnostic laboratories have submitted clinical-significance assessments for this variant to ClinVar after 2014. Other variants causing extension of the protein that have no evidence of causality are cited in ClinVar as uncertain significance by various submitters, including the ClinGen Monogenic Diabetes Variant Curation Expert Panel (Variation IDs: 1687083, 438709, 1781620). Based on the evidence outlined above, the variant was classified as uncertain significance.